The following is an entry in ClinVar:

ClinVar aggregate classification (germline): Likely benign. Review status: criteria provided, multiple submitters, no conflicts (2 of 4 stars). 2 submissions from 2 submitters: Likely benign (2). Last evaluated 2025-05-02.

Conditions:
Tuberous sclerosis 2 (TSC2). Identifiers: Orphanet 805, MedGen C1860707, MONDO:0013199, OMIM 613254.

gnomAD v4.1: 1 of 1,614,160 alleles (0.000062%); highest among the groups gnomAD compares: Non-Finnish European, 0.000085%; no homozygotes.

Submissions (2):

Myriad Genetics, Inc.
Classification: Likely benign for Tuberous sclerosis 2. Last evaluated: 2025-05-02. Review status: criteria provided, single submitter. Criteria: Myriad Autosomal Dominant, Autosomal Recessive and X-Linked Classification Criteria (2023). Collection method: clinical testing. Allele origin: unknown.
Comment: This variant is considered likely benign. This variant is intronic and is not expected to impact mRNA splicing.

Labcorp Genetics (formerly Invitae), Labcorp
Classification: Likely benign for Tuberous sclerosis 2. Last evaluated: 2024-03-01. Review status: criteria provided, single submitter. Criteria: Invitae Variant Classification Sherloc (09022015). Collection method: clinical testing. Allele origin: germline.

NM_000548.5(TSC2):c.337-18T>C

Gene: TSC2 (TSC complex subunit 2; plus strand). Cytogenetic location: 16p13.3.
Variant type: single nucleotide variant.
Coding change: c.337-18T>C on transcript NM_000548.5 (MANE Select); 18 bases into the intron before coding-DNA position 337, T replaced by C.
Molecular consequence: intron variant.
Genome position (GRCh38, 1-based): chr16:2,054,278, T>C. VCF-style: chr16-2054278-T-C. GRCh37 (hg19) VCF-style: chr16-2104279-T-C.
Other names: c.337-18T>C (NM_001114382.3, NM_021055.3, NM_001370405.1 and 3 more transcripts); c.226-18T>C (NM_001318827.2); c.-1-1918T>C (NM_001318831.2); c.190-18T>C (NM_001318829.2); c.370-18T>C (NM_001318832.2).
Identifiers: ClinVar variation 1589407 (VCV001589407.9), dbSNP rs2151039421, ClinGen allele CA2573151787.